The following is an entry in ClinVar:

NM_001082486.2(ACD):c.1103_1104del (p.Pro368fs)

Gene: ACD (ACD shelterin complex subunit and telomerase recruitment factor; minus strand). Cytogenetic location: 16q22.1.
Variant type: Deletion.
Coding change: c.1103_1104del on transcript NM_001082486.2 (MANE Select); coding-DNA positions 1103 to 1104, 2 bases deleted (CT; older notation c.1103_1104delCT).
Protein change: p.Pro368fs; shifts the reading frame from proline 368.
Molecular consequence: frameshift variant.
Genome position (GRCh38, 1-based): chr16:67,658,088-67,658,089, AG deleted on the plus strand (CT on the coding strand, the reverse complement: ACD is on the minus strand). VCF-style (leftmost placement, unchanged base first): chr16-67658087-TAG-T. GRCh37 (hg19) VCF-style: chr16-67691990-TAG-T.
Other names: c.1016_1017del, p.Pro339fs (NM_001410884.1); c.1094_1095del, p.Pro365fs (NM_022914.3); short protein forms P339fs, P365fs, P368fs.
Identifiers: ClinVar variation 2823870 (VCV002823870.3), dbSNP rs780034644, ClinGen allele CA8114443.

ClinVar aggregate classification (germline): Uncertain significance (1 of 4 stars; one submission).

Conditions:
Dyskeratosis congenita, autosomal dominant 6 (DKCA6). Identifiers: Orphanet 3322, MedGen C4225284, MONDO:0014690, OMIM 616553.

Allele frequency attached by ClinVar (database versions not stated): ExAC 0.00001.

Submission:

Labcorp Genetics (formerly Invitae), Labcorp
Classification: Uncertain significance for Dyskeratosis congenita, autosomal dominant 6. Last evaluated: 2022-12-24. Review status: criteria provided, single submitter. Criteria: Invitae Variant Classification Sherloc (09022015). Collection method: clinical testing. Allele origin: germline.
Comment: In summary, the available evidence is currently insufficient to determine the role of this variant in disease. Therefore, it has been classified as a Variant of Uncertain Significance. This variant has not been reported in the literature in individuals affected with ACD-related conditions. This variant is present in population databases (rs780034644, gnomAD 0.001%). This sequence change creates a premature translational stop signal (p.Pro454Glnfs*42) in the ACD gene. It is expected to result in an absent or disrupted protein product. However, the current clinical and genetic evidence is not sufficient to establish whether loss-of-function variants in ACD cause disease.